The following is an entry in ClinVar:

ClinVar aggregate classification (germline): Uncertain significance (1 of 4 stars; one submission).

Conditions:
Renal coloboma syndrome (PAPRS). Also called: COLOBOMA OF OPTIC NERVE WITH RENAL DISEASE; OPTIC COLOBOMA, VESICOURETERAL REFLUX, AND RENAL ANOMALIES; OPTIC NERVE COLOBOMA WITH RENAL DISEASE; RENAL-COLOBOMA SYNDROME WITH MACULAR ABNORMALITIES; PAPILLORENAL SYNDROME; PAPILLORENAL SYNDROME WITH MILD OCULAR ABNORMALITIES. Identifiers: Orphanet 1475, MedGen C1852759, MONDO:0007352, OMIM 120330.
Focal segmental glomerulosclerosis 7 (FSGS7). Identifiers: Orphanet 656, MedGen C4014925, MONDO:0014451, OMIM 616002.

gnomAD v4.1: 2 of 1,613,372 alleles (0.00012%); no homozygotes.

Submission:

Labcorp Genetics (formerly Invitae), Labcorp
Classification: Uncertain significance for Renal coloboma syndrome; Focal segmental glomerulosclerosis 7. Last evaluated: 2024-02-18. Review status: criteria provided, single submitter. Criteria: Invitae Variant Classification Sherloc (09022015). Collection method: clinical testing. Allele origin: germline.
Comment: This sequence change falls in intron 6 of the PAX2 gene. It does not directly change the encoded amino acid sequence of the PAX2 protein. It affects a nucleotide within the consensus splice site. This variant is not present in population databases (gnomAD no frequency). This variant has not been reported in the literature in individuals affected with PAX2-related conditions. Variants that disrupt the consensus splice site are a relatively common cause of aberrant splicing (PMID: 17576681, 9536098). Algorithms developed to predict the effect of sequence changes on RNA splicing suggest that this variant is not likely to affect RNA splicing. In summary, the available evidence is currently insufficient to determine the role of this variant in disease. Therefore, it has been classified as a Variant of Uncertain Significance.

Literature cited by the submitters: PubMed 17576681; PubMed 9536098.

NM_000278.5(PAX2):c.792+5G>T

Gene: PAX2 (paired box 2; plus strand). Cytogenetic location: 10q24.31.
Variant type: single nucleotide variant.
Coding change: c.792+5G>T on transcript NM_000278.5 (MANE Select); 5 bases into the intron after coding-DNA position 792, G replaced by T.
Molecular consequence: intron variant.
Genome position (GRCh38, 1-based): chr10:100,806,610, G>T. VCF-style: chr10-100806610-G-T. GRCh37 (hg19) VCF-style: chr10-102566367-G-T.
Other names: c.885+5G>T (NM_001304569.2); c.861+5G>T (NM_003987.5, NM_003990.5); c.792+5G>T (NM_003988.5, NM_003989.5).
Identifiers: ClinVar variation 3754801 (VCV003754801.2).